The following is an entry in ClinVar:

ClinVar aggregate classification (germline): Conflicting classifications of pathogenicity. Review status: criteria provided, conflicting classifications (1 of 4 stars). 5 submissions from 5 submitters: Uncertain significance (1); Benign (1); Likely benign (3). Last evaluated 2026-02-03.

Conditions:
Developmental and epileptic encephalopathy, 12 (DEE12). Identifiers: MedGen C3150988, MONDO:0013389, OMIM 613722.

Allele frequency attached by ClinVar (database versions not stated): gnomAD 0.00001 and 0.00005; TOPMed 0.00003; 1000 Genomes Project 30x 0.00016; 1000 Genomes Project 0.00020; gnomAD exomes 0.00031; ExAC 0.00035.
gnomAD v4.1: 268 of 1,614,148 alleles (0.017%); highest among the groups gnomAD compares: South Asian, 0.25%; 4 homozygotes.

Submissions (5):

Labcorp Genetics (formerly Invitae), Labcorp
Classification: Benign for Developmental and epileptic encephalopathy, 12. Last evaluated: 2026-02-03. Review status: criteria provided, single submitter. Criteria: Invitae Variant Classification Sherloc (09022015). Collection method: clinical testing. Allele origin: germline.

Blueprint Genetics
Classification: Likely benign. Last evaluated: 2024-10-25. Review status: criteria provided, single submitter. Criteria: ACMG Guidelines, 2015. Collection method: clinical testing. Allele origin: germline.

CeGaT Center for Human Genetics Tuebingen
Classification: Likely benign. Last evaluated: 2022-03-01. Review status: criteria provided, single submitter. Criteria: CeGaT Center For Human Genetics Tuebingen Variant Classification Criteria Version 2. Collection method: clinical testing. Allele origin: germline. Affected: yes. Observed: 1 variant allele.
Comment: PNKP: BP4, BP7

GeneDx
Classification: Likely benign. Last evaluated: 2021-09-01. Review status: criteria provided, single submitter. Criteria: GeneDx Variant Classification Process June 2021. Collection method: clinical testing. Allele origin: germline. Affected: yes.

Genetic Services Laboratory, University of Chicago
Classification: Uncertain significance. Last evaluated: 2014-11-18. Review status: criteria provided, single submitter. Criteria: ACMG Guidelines, 2015. Collection method: clinical testing. Allele origin: germline.

NM_007254.4(PNKP):c.624C>T (p.Ala208=)

Gene: PNKP (polynucleotide kinase 3'-phosphatase; minus strand). Cytogenetic location: 19q13.33.
Variant type: single nucleotide variant.
Coding change: c.624C>T on transcript NM_007254.4 (MANE Select); coding-DNA position 624, C replaced by T.
Protein change: p.Ala208=; no amino-acid change (alanine 208 retained).
Molecular consequence: synonymous variant.
Genome position (GRCh38, 1-based): chr19:49,864,191, G>A on the plus strand (C>T on the coding strand, the complement: PNKP is on the minus strand). VCF-style: chr19-49864191-G-A. GRCh37 (hg19) VCF-style: chr19-50367448-G-A.
Identifiers: ClinVar variation 211921 (VCV000211921.42), dbSNP rs571119317, ClinGen allele CA208015.